The following is an entry in ClinVar:

NM_007118.4(TRIO):c.7431C>T (p.Ser2477=)

Gene: TRIO (trio Rho guanine nucleotide exchange factor; plus strand). Cytogenetic location: 5p15.2.
Variant type: single nucleotide variant.
Coding change: c.7431C>T on transcript NM_007118.4 (MANE Select); coding-DNA position 7431, C replaced by T.
Protein change: p.Ser2477=; no amino-acid change (serine 2477 retained).
Molecular consequence: synonymous variant.
Genome position (GRCh38, 1-based): chr5:14,488,059, C>T. VCF-style: chr5-14488059-C-T. GRCh37 (hg19) VCF-style: chr5-14488168-C-T.
Identifiers: ClinVar variation 2655347 (VCV002655347.24), dbSNP rs772892807, ClinGen allele CA3207419.

ClinVar aggregate classification (germline): Likely benign (1 of 4 stars; one submission).

Allele frequency attached by ClinVar (database versions not stated): gnomAD 0.00001; TOPMed 0.00001; ExAC 0.00011.
gnomAD v4.1: 120 of 1,609,690 alleles (0.0075%); highest among the groups gnomAD compares: East Asian, 0.011%; no homozygotes.

Submission:

CeGaT Center for Human Genetics Tuebingen
Classification: Likely benign. Last evaluated: 2023-06-01. Review status: criteria provided, single submitter. Criteria: CeGaT Center For Human Genetics Tuebingen Variant Classification Criteria Version 2. Collection method: clinical testing. Allele origin: germline. Affected: yes. Observed: 1 variant allele.
Comment: TRIO: BP4